The following is an entry in ClinVar:

ClinVar aggregate classification (germline): Uncertain significance. Review status: criteria provided, single submitter (1 of 4 stars). 2 submissions from 2 submitters: Uncertain significance (1). 1 of the submissions does not count toward it. Last evaluated 2026-02-01.

Allele frequency attached by ClinVar (database versions not stated): TOPMed 0.00002; ESP Exome Variant Server 0.00008; gnomAD exomes 0.00009 and 0.00001; gnomAD 0.00001; ExAC 0.00002.
gnomAD v4.1: 129 of 1,614,080 alleles (0.008%); highest among the groups gnomAD compares: Non-Finnish European, 0.011%; no homozygotes.

Submissions (2):

Labcorp Genetics (formerly Invitae), Labcorp
Classification: Uncertain significance. Last evaluated: 2026-02-01. Review status: criteria provided, single submitter. Criteria: Invitae Variant Classification Sherloc (09022015). Collection method: clinical testing. Allele origin: germline.
Comment: This sequence change replaces glycine, which is neutral and non-polar, with valine, which is neutral and non-polar, at codon 98 of the NFE2L2 protein (p.Gly98Val). This variant is present in population databases (rs376163559, gnomAD 0.002%). This variant has not been reported in the literature in individuals affected with NFE2L2-related conditions. ClinVar contains an entry for this variant (Variation ID: 134899). An algorithm developed to predict the effect of missense changes on protein structure and function (PolyPhen-2) suggests that this variant is likely to be tolerated. In summary, the available evidence is currently insufficient to determine the role of this variant in disease. Therefore, it has been classified as a Variant of Uncertain Significance.

ITMI
No classification provided. Condition: AllHighlyPenetrant. Last evaluated: 2013-09-19. Review status: no classification provided. Collection method: reference population. Allele origin: germline. Not counted in ClinVar's aggregate classification.
Comment: Please see associated publication for description of ethnicities

Literature cited by the submitters: PubMed 24728327 (cited by ITMI).

NM_006164.5(NFE2L2):c.293G>T (p.Gly98Val)

Gene: NFE2L2 (NFE2 like bZIP transcription factor 2; minus strand). Cytogenetic location: 2q31.2.
Variant type: single nucleotide variant.
Coding change: c.293G>T on transcript NM_006164.5 (MANE Select); coding-DNA position 293, G replaced by T.
Protein change: p.Gly98Val; replaces glycine 98 with valine.
Molecular consequence: missense variant. On other transcripts: intron variant (2).
Genome position (GRCh38, 1-based): chr2:177,234,024, C>A on the plus strand (G>T on the coding strand, the complement: NFE2L2 is on the minus strand). VCF-style: chr2-177234024-C-A. GRCh37 (hg19) VCF-style: chr2-178098752-C-A.
Other names: c.245G>T, p.Gly82Val (NM_001145412.3, NM_001145413.3, NM_001313900.1 and 1 more transcripts); c.293G>T, p.Gly98Val (NM_001313902.2); c.12+52G>T (NM_001313904.1); c.93+200G>T (NM_001313903.2); short protein forms G82V, G98V.
Identifiers: ClinVar variation 134899 (VCV000134899.6), dbSNP rs376163559, ClinGen allele CA161109.